The following is an entry in ClinVar:

ClinVar aggregate classification (germline): Uncertain significance (1 of 4 stars; one submission).

Conditions:
Catecholaminergic polymorphic ventricular tachycardia 1. Also called: RYR2-Related Catecholaminergic Polymorphic Ventricular Tachycardia; VENTRICULAR TACHYCARDIA, CATECHOLAMINERGIC POLYMORPHIC, 1, WITH OR WITHOUT ATRIAL DYSFUNCTION AND/OR DILATED CARDIOMYOPATHY; VENTRICULAR TACHYCARDIA, STRESS-INDUCED POLYMORPHIC 1. Identifiers: Orphanet 3286, MedGen C1631597, MONDO:0011484, OMIM 604772.

Submission:

Labcorp Genetics (formerly Invitae), Labcorp
Classification: Uncertain significance for Catecholaminergic polymorphic ventricular tachycardia 1. Last evaluated: 2023-12-21. Review status: criteria provided, single submitter. Criteria: Invitae Variant Classification Sherloc (09022015). Collection method: clinical testing. Allele origin: unknown.
Comment: This variant is a gross deletion of the genomic region encompassing exon(s) 24 of the RYR2 gene. This deletion is out-of-frame, and is expected to create a premature translational stop signal and result in an absent or disrupted protein product. However, the current clinical and genetic evidence is not sufficient to establish whether loss-of-function variants in RYR2 cause disease. This variant has not been reported in the literature in individuals affected with RYR2-related conditions. Experimental studies and prediction algorithms are not available or were not evaluated, and the functional significance of this variant is currently unknown. In summary, the available evidence is currently insufficient to determine the role of this variant in disease. Therefore, it has been classified as a Variant of Uncertain Significance.

NC_000001.10:g.(?_237674968)_(237675111_?)del

Gene: RYR2 (ryanodine receptor 2; plus strand). Cytogenetic location: 1q43.
Variant type: Deletion.
Identifiers: ClinVar variation 3247723 (VCV003247723.1).